The following is an entry in ClinVar:

ClinVar aggregate classification (germline): Uncertain significance (1 of 4 stars; one submission).

Conditions:
Hermansky-Pudlak syndrome 2 (HPS2). Also called: Platelet defects and oculocutaneous albinism. Identifiers: Orphanet 183678, Orphanet 79430, MedGen C1842362, MONDO:0011997, OMIM 608233.

Allele frequency attached by ClinVar (database versions not stated): gnomAD exomes below 0.00001 and 0.00001; ExAC 0.00001; gnomAD 0.00001; TOPMed 0.00001.
gnomAD v4.1: 4 of 1,608,938 alleles (0.00025%); highest among the groups gnomAD compares: African/African-American, 0.0013%; no homozygotes.

Submission:

Labcorp Genetics (formerly Invitae), Labcorp
Classification: Uncertain significance for Hermansky-Pudlak syndrome 2. Last evaluated: 2020-06-15. Review status: criteria provided, single submitter. Criteria: Invitae Variant Classification Sherloc (09022015). Collection method: clinical testing. Allele origin: germline.
Comment: This sequence change replaces glutamic acid with lysine at codon 771 of the AP3B1 protein (p.Glu771Lys). The glutamic acid residue is moderately conserved and there is a small physicochemical difference between glutamic acid and lysine. This variant is present in population databases (rs758351076, ExAC 0.002%). This variant has not been reported in the literature in individuals with AP3B1-related conditions. Algorithms developed to predict the effect of missense changes on protein structure and function (SIFT, PolyPhen-2, Align-GVGD) all suggest that this variant is likely to be tolerated, but these predictions have not been confirmed by published functional studies and their clinical significance is uncertain. In summary, the available evidence is currently insufficient to determine the role of this variant in disease. Therefore, it has been classified as a Variant of Uncertain Significance.

NM_003664.5(AP3B1):c.2311G>A (p.Glu771Lys)

Gene: AP3B1 (adaptor related protein complex 3 subunit beta 1; minus strand). Cytogenetic location: 5q14.1.
Variant type: single nucleotide variant.
Coding change: c.2311G>A on transcript NM_003664.5 (MANE Select); coding-DNA position 2311, G replaced by A.
Protein change: p.Glu771Lys; replaces glutamic acid 771 with lysine.
Molecular consequence: missense variant.
Genome position (GRCh38, 1-based): chr5:78,110,293, C>T on the plus strand (G>A on the coding strand, the complement: AP3B1 is on the minus strand). VCF-style: chr5-78110293-C-T. GRCh37 (hg19) VCF-style: chr5-77406117-C-T.
Other names: c.2164G>A, p.Glu722Lys (NM_001271769.2); short protein forms E722K, E771K.
Identifiers: ClinVar variation 1008046 (VCV001008046.8), dbSNP rs758351076, ClinGen allele CA3316808.
Genomic context (GRCh38, chr5:78,110,293, plus strand): 5'-CACTTTCAGGTTCTGACTCTGATTCAGAATCGGAAGAACTGTCTTCTATTGAACTAGATT[C>T]GTCATTTGAAGAATCTGAAGTTTTAGATTTTTCATTTTCCTTCTCCCCATCTTCAGAATC-3'
Protein context (NP_003655.3, residues 761-781): KSKTSDSSND[Glu771Lys]SSSIEDSSSD